The following is an entry in ClinVar:

NM_002471.4(MYH6):c.3106C>T (p.Leu1036=)

Gene: MYH6 (myosin heavy chain 6; minus strand). Cytogenetic location: 14q11.2.
Variant type: single nucleotide variant.
Coding change: c.3106C>T on transcript NM_002471.4 (MANE Select); coding-DNA position 3106, C replaced by T.
Protein change: p.Leu1036=; no amino-acid change (leucine 1036 retained).
Molecular consequence: synonymous variant.
Genome position (GRCh38, 1-based): chr14:23,393,057, G>A on the plus strand (C>T on the coding strand, the complement: MYH6 is on the minus strand). VCF-style: chr14-23393057-G-A. GRCh37 (hg19) VCF-style: chr14-23862266-G-A.
Identifiers: ClinVar variation 3898307 (VCV003898307.7).

ClinVar aggregate classification (germline): Likely benign (1 of 4 stars; one submission).

Submission:

CeGaT Center for Human Genetics Tuebingen
Classification: Likely benign. Last evaluated: 2025-04-01. Review status: criteria provided, single submitter. Criteria: CeGaT Center For Human Genetics Tuebingen Variant Classification Criteria Version 2. Collection method: clinical testing. Allele origin: germline. Affected: yes. Observed: 1 variant allele.
Comment: MYH6: PM2:Supporting, BP4, BP7